The following is an entry in ClinVar:

NM_153490.3(KRT13):c.1276G>A (p.Val426Ile)

Gene: KRT13 (keratin 13; minus strand). Cytogenetic location: 17q21.2.
Variant type: single nucleotide variant.
Coding change: c.1276G>A on transcript NM_153490.3 (MANE Select); coding-DNA position 1276, G replaced by A.
Protein change: p.Val426Ile; replaces valine 426 with isoleucine.
Molecular consequence: missense variant.
Genome position (GRCh38, 1-based): chr17:41,501,357, C>T on the plus strand (G>A on the coding strand, the complement: KRT13 is on the minus strand). VCF-style: chr17-41501357-C-T. GRCh37 (hg19) VCF-style: chr17-39657609-C-T.
Other names: c.1250G>A, p.Arg417His (NM_002274.4); short protein forms R417H, V426I.
Identifiers: ClinVar variation 323076 (VCV000323076.7), dbSNP rs144967807, ClinGen allele CA8560426.

ClinVar aggregate classification (germline): Benign. Review status: criteria provided, single submitter (1 of 4 stars). 2 submissions from 2 submitters: Benign (1). 1 of the submissions does not count toward it. Last evaluated 2018-01-12.

Conditions:
KRT13-related disorder. Also called: KRT13-related condition.
White sponge nevus 2 (WSN2). Identifiers: MedGen C4014321, MONDO:0014346, OMIM 615785.

Allele frequency attached by ClinVar (database versions not stated): 1000 Genomes Project 30x 0.00031; 1000 Genomes Project 0.00040; TOPMed 0.00104; gnomAD exomes 0.00107 and 0.00130; ESP Exome Variant Server 0.00116; ExAC 0.00128; gnomAD 0.00147 and 0.00157.

Submissions (2):

Illumina Laboratory Services, Illumina
Classification: Benign for White sponge nevus 2. Last evaluated: 2018-01-12. Review status: criteria provided, single submitter. Criteria: ICSL Variant Classification Criteria 13 December 2019. Collection method: clinical testing. Allele origin: germline.
Comment: This variant was observed in the ICSL laboratory as part of a predisposition screen in an ostensibly healthy population. It had not been previously curated by ICSL or reported in the Human Gene Mutation Database (HGMD: prior to June 1st, 2018), and was therefore a candidate for classification through an automated scoring system. Utilizing variant allele frequency, disease prevalence and penetrance estimates, and inheritance mode, an automated score was calculated to assess if this variant is too frequent to cause the disease. Based on the score and internal cut-off values, a variant classified as benign is not then subjected to further curation. The score for this variant resulted in a classification of benign for this disease.

PreventionGenetics, part of Exact Sciences
Classification: Likely benign for KRT13-related condition. Last evaluated: 2020-01-03. Review status: no assertion criteria provided. Collection method: clinical testing. Allele origin: germline. Not counted in ClinVar's aggregate classification.
Comment: This variant is classified as likely benign based on ACMG/AMP sequence variant interpretation guidelines (Richards et al. 2015 PMID: 25741868, with internal and published modifications).